The following is an entry in ClinVar:

ClinVar aggregate classification (germline): Uncertain significance (1 of 4 stars; one submission).

Conditions:
Familial thoracic aortic aneurysm and aortic dissection (TAAD). Also called: Thoracic aortic aneurysms and dissections. Identifiers: Orphanet 91387, MedGen C4707243, MONDO:0019625.

Submission:

Ambry Genetics
Classification: Uncertain significance for Familial thoracic aortic aneurysm and aortic dissection. Last evaluated: 2018-04-27. Review status: criteria provided, single submitter. Criteria: Ambry Variant Classification Scheme 2023. Collection method: clinical testing. Allele origin: germline.
Comment: The c.2098_2099delAAinsGT variant (also known as p.K700V), located in coding exon 7 of the SKI gene, results from an in-frame deletion of AA and insertion of GT at nucleotide positions 2098 to 2099. This results in the substitution of the lysine residue for a valine residue at codon 700, an amino acid with similar properties. This amino acid position is not well conserved in available vertebrate species. In addition, this alteration is predicted to be tolerated and benign by PolyPhen and SIFT in silico analyses, respectively. Since supporting evidence is limited at this time, the clinical significance of this alteration remains unclear.

NM_003036.4(SKI):c.2098_2099delinsGT (p.Lys700Val)

Gene: SKI (SKI proto-oncogene; plus strand). Cytogenetic location: 1p36.32.
Variant type: Indel.
Coding change: c.2098_2099delinsGT on transcript NM_003036.4 (MANE Select); coding-DNA positions 2098 to 2099, AA replaced by GT.
Protein change: p.Lys700Val; replaces lysine 700 with valine.
Molecular consequence: missense variant.
Genome position (GRCh38, 1-based): chr1:2,306,676-2,306,677, AA replaced by GT. VCF-style: chr1-2306676-AA-GT. GRCh37 (hg19) VCF-style: chr1-2238115-AA-GT.
Other names: short protein forms K700V.
Identifiers: ClinVar variation 1785820 (VCV001785820.2), dbSNP rs2521523410, ClinGen allele CA2580061406.